The following is an entry in ClinVar:

NM_001018005.2(TPM1):c.842T>G (p.Met281Arg)

Gene: TPM1 (tropomyosin 1; plus strand). Cytogenetic location: 15q22.2.
Variant type: single nucleotide variant.
Coding change: c.842T>G on transcript NM_001018005.2 (MANE Select); coding-DNA position 842, T replaced by G.
Protein change: p.Met281Arg; replaces methionine 281 with arginine.
Molecular consequence: missense variant. On other transcripts: intron variant (12).
Genome position (GRCh38, 1-based): chr15:63,064,133, T>G. VCF-style: chr15-63064133-T-G. GRCh37 (hg19) VCF-style: chr15-63356332-T-G.
Other names: c.842T>G, p.Met281Arg (NM_000366.6, NM_001301244.2, NM_001365779.1); c.734T>G, p.Met245Arg (NM_001330346.2, NM_001365781.2, NM_001365782.1); c.898+1488T>G (NM_001365778.1); c.772+1488T>G (NM_001018020.2, NM_001018007.2, NM_001018006.2 and 3 more transcripts); c.664+1488T>G (NM_001330351.2, NM_001330344.2, NM_001018008.2 and 2 more transcripts); short protein forms M245R, M281R.
Identifiers: ClinVar variation 919047 (VCV000919047.5), dbSNP rs199476321, ClinGen allele CA392725213.
Genomic context (GRCh38, chr15:63,064,133, plus strand): 5'-ACGCTCAGAAACTGAAGTACAAAGCCATCAGCGAGGAGCTGGACCACGCTCTCAACGATA[T>G]GACTTCCATGTAAACGTTCATCCACTCTGCCTGCTTACACCCTGCCCTCATGCTAATGTA-3'
Protein context (NP_001018005.1, residues 271-284): SEELDHALND[Met281Arg]TSI

ClinVar aggregate classification (germline): Uncertain significance. Review status: criteria provided, multiple submitters, no conflicts (2 of 4 stars). 2 submissions from 2 submitters: Uncertain significance (2). Last evaluated 2019-07-25.

Conditions:
Cardiomyopathy (CMYO). Also called: Cardiomyopathies. Identifiers: Orphanet 167848, MedGen C0878544, MONDO:0004994, HP:0001638. Inheritance: Various modes of inheritance.

Submissions (2):

Color Diagnostics, LLC DBA Color Health
Classification: Uncertain significance for Cardiomyopathy. Last evaluated: 2019-07-25. Review status: criteria provided, single submitter. Criteria: ACMG Guidelines, 2015. Collection method: clinical testing. Allele origin: germline.
Comment: This missense variant replaces methionine with arginine at codon 281 of the TPM1 protein. Computational prediction tools and conservation analyses suggest that this variant may have deleterious impact on the protein function. Computational splicing tools suggest that this variant may not impact RNA splicing. To our knowledge, functional assays have not been performed for this variant nor has this variant been reported in individuals affected with cardiovascular disorders in the literature. This variant has not been identified in the general population by the Genome Aggregation Database (gnomAD). Available evidence is insufficient to determine the role of this variant in disease conclusively. Therefore, this variant is classified as a Variant of Uncertain Significance.

GeneDx
Classification: Uncertain significance. Last evaluated: 2019-03-08. Review status: criteria provided, single submitter. Criteria: GeneDx Variant Classification Process June 2021. Collection method: clinical testing. Allele origin: germline. Affected: yes.
Comment: Not observed in large population cohorts (Lek et al., 2016); In silico analysis, which includes protein predictors and evolutionary conservation, supports a deleterious effect; Has not been previously published as pathogenic or benign to our knowledge